The following is an entry in ClinVar:

ClinVar aggregate classification (germline): Likely pathogenic (1 of 4 stars; one submission).

Conditions:
Mucopolysaccharidosis, MPS-III-C (MPS3C). Also called: SANFILIPPO SYNDROME C; MPS III C; mucopolysaccharidosis type 3C; MPS IIIC (Sanfilippo Syndrome Type C); MUCOPOLYSACCHARIDOSIS, TYPE IIIC; Mucopolysaccharidosis type IIIC (Sanfilippo C). Identifiers: Orphanet 581, Orphanet 79271, MedGen C0086649, MONDO:0009657, OMIM 252930.

Submission:

Natera, Inc.
Classification: Likely pathogenic for Mucopolysaccharidosis type IIIC. Last evaluated: 2025-02-26. Review status: criteria provided, single submitter. Criteria: Natera Variant Classification Schema (03/2026). Collection method: clinical testing. Allele origin: germline.
Comment: The c.564-2A>T variant in HGSNAT is a canonical splice acceptor site variant predicted to affect pre-mRNA splicing, which may result in an abnormal transcript and altered protein product. This variant is expected to result in nonsense mediated decay, truncation, or a dysfunctional protein product. This variant is rare in the general population with a frequency below the threshold expected for the associated phenotype(s). Given the available evidence, this variant is classified as Likely Pathogenic.

NM_152419.3(HGSNAT):c.564-2A>T

Gene: HGSNAT (heparan-alpha-glucosaminide N-acetyltransferase; plus strand). Cytogenetic location: 8p11.21.
Variant type: single nucleotide variant.
Coding change: c.564-2A>T on transcript NM_152419.3 (MANE Select); the canonical splice acceptor site of the intron before coding-DNA position 564, A replaced by T.
Molecular consequence: splice acceptor variant.
Genome position (GRCh38, 1-based): chr8:43,169,171, A>T. VCF-style: chr8-43169171-A-T. GRCh37 (hg19) VCF-style: chr8-43024314-A-T.
Other names: c.564-2A>T (NM_001363227.2, NM_001363228.2); c.-270-2A>T (NM_001363229.2).
Identifiers: ClinVar variation 4069310 (VCV004069310.2).